The following is an entry in ClinVar:

NM_001127222.2(CACNA1A):c.6456C>A (p.His2152Gln)

Gene: CACNA1A (calcium voltage-gated channel subunit alpha1 A; minus strand). Cytogenetic location: 19p13.13.
Variant type: single nucleotide variant.
Coding change: c.6456C>A on transcript NM_001127222.2 (MANE Select); coding-DNA position 6456, C replaced by A.
Protein change: p.His2152Gln; replaces histidine 2152 with glutamine.
Molecular consequence: missense variant.
Genome position (GRCh38, 1-based): chr19:13,209,382, G>T on the plus strand (C>A on the coding strand, the complement: CACNA1A is on the minus strand). VCF-style: chr19-13209382-G-T. GRCh37 (hg19) VCF-style: chr19-13320196-G-T.
Other names: c.6474C>A, p.His2158Gln (NM_000068.4, NM_023035.3); c.6459C>A, p.His2153Gln (NM_001127221.2); c.6465C>A, p.His2155Gln (NM_001174080.2); short protein forms H2153Q, H2155Q, H2158Q, H2152Q.
Identifiers: ClinVar variation 576031 (VCV000576031.9), dbSNP rs759949928, ClinGen allele CA404330846.

ClinVar aggregate classification (germline): Uncertain significance (1 of 4 stars; one submission).

Conditions:
Episodic ataxia type 2 (EA2). Also called: ACETAZOLAMIDE-RESPONSIVE HEREDITARY PAROXYSMAL CEREBELLAR ATAXIA; CEREBELLAR ATAXIA, PAROXYSMAL, ACETAZOLAMIDE-RESPONSIVE; CEREBELLOPATHY, HEREDITARY PAROXYSMAL; EPISODIC ATAXIA, NYSTAGMUS-ASSOCIATED; ATAXIA, EPISODIC, WITH NYSTAGMUS; ATAXIA, FAMILIAL PAROXYSMAL. Identifiers: Orphanet 97, MedGen C1720416, MONDO:0007163, OMIM 108500.
Developmental and epileptic encephalopathy, 42 (DEE42A). Also called: DEVELOPMENTAL AND EPILEPTIC ENCEPHALOPATHY 42A; EPILEPTIC ENCEPHALOPATHY, EARLY INFANTILE, 42A; Epileptic encephalopathy, early infantile, 42. Identifiers: MedGen C4310716, MONDO:0014917, OMIM 617106.

Allele frequency attached by ClinVar (database versions not stated): gnomAD 0.00001; TOPMed 0.00001.
gnomAD v4.1: 2 of 1,400,570 alleles (0.00014%); highest among the groups gnomAD compares: Non-Finnish European, 0.00019%; no homozygotes.

Submission:

Labcorp Genetics (formerly Invitae), Labcorp
Classification: Uncertain significance for Developmental and epileptic encephalopathy, 42; Episodic ataxia type 2. Last evaluated: 2022-08-09. Review status: criteria provided, single submitter. Criteria: Invitae Variant Classification Sherloc (09022015). Collection method: clinical testing. Allele origin: germline.
Comment: In summary, the available evidence is currently insufficient to determine the role of this variant in disease. Therefore, it has been classified as a Variant of Uncertain Significance. Advanced modeling of protein sequence and biophysical properties (such as structural, functional, and spatial information, amino acid conservation, physicochemical variation, residue mobility, and thermodynamic stability) performed at Invitae indicates that this missense variant is not expected to disrupt CACNA1A protein function. ClinVar contains an entry for this variant (Variation ID: 576031). This variant has not been reported in the literature in individuals affected with CACNA1A-related conditions. This variant is not present in population databases (gnomAD no frequency). This sequence change replaces histidine, which is basic and polar, with glutamine, which is neutral and polar, at codon 2153 of the CACNA1A protein (p.His2153Gln).